The following is an entry in ClinVar:

NM_004082.5(DCTN1):c.2336A>G (p.Asp779Gly)

Gene: DCTN1 (dynactin subunit 1; minus strand). Cytogenetic location: 2p13.1.
Variant type: single nucleotide variant.
Coding change: c.2336A>G on transcript NM_004082.5 (MANE Select); coding-DNA position 2336, A replaced by G.
Protein change: p.Asp779Gly; replaces aspartic acid 779 with glycine.
Molecular consequence: missense variant. On other transcripts: non-coding transcript variant (1).
Genome position (GRCh38, 1-based): chr2:74,366,913, T>C on the plus strand (A>G on the coding strand, the complement: DCTN1 is on the minus strand). VCF-style: chr2-74366913-T-C. GRCh37 (hg19) VCF-style: chr2-74594040-T-C.
Other names: c.2276A>G, p.Asp759Gly (NM_001135040.3); c.1934A>G, p.Asp645Gly (NM_001135041.3, NM_023019.4); c.2225A>G, p.Asp742Gly (NM_001190836.2); c.2315A>G, p.Asp772Gly (NM_001190837.2); c.2285A>G, p.Asp762Gly (NM_001378991.1); c.2267A>G, p.Asp756Gly (NM_001378992.1); short protein forms D742G, D772G, D756G, D762G, D759G, D645G, D779G.
Identifiers: ClinVar variation 4790223 (VCV004790223.1).
Genomic context (GRCh38, chr2:74,366,913, plus strand): 5'-TTGCAGAACTGGCGGATGTCACTGCATGAAGTTTCCAGATCCCGGAGCAGGAGGGCAATA[T>C]CTGTAGCCTCCTGCCCACCCTACTCAGGAAAAAGAAAATGGATGGAGAACCAAGTTAGCA-3'
Protein context (NP_004073.2, residues 769-789): AFLQGGQEAT[Asp779Gly]IALLLRDLET

ClinVar aggregate classification (germline): Uncertain significance (1 of 4 stars; one submission).

Conditions:
Amyotrophic lateral sclerosis type 1 (ALS1). Also called: AMYOTROPHIC LATERAL SCLEROSIS 1, FAMILIAL. Identifiers: Orphanet 803, MedGen C1862939, MONDO:0007103, OMIM 105400.
Neuronopathy, distal hereditary motor, type 7B. Also called: HMN VIIB; LOWER MOTOR NEURON DISEASE, DYNACTIN TYPE; NEURONOPATHY, DISTAL HEREDITARY MOTOR, AUTOSOMAL DOMINANT 14; NEURONOPATHY, DISTAL HEREDITARY MOTOR, HARDING TYPE VIIB; NEUROPATHY, DISTAL HEREDITARY MOTOR, HARDING TYPE VIIB; NEUROPATHY, DISTAL HEREDITARY MOTOR, WITH VOCAL CORD PARALYSIS, HARDING TYPE VIIB. Identifiers: Orphanet 139589, MedGen C1843315, MONDO:0011879, OMIM 607641.
Perry syndrome. Also called: PARKINSONISM WITH ALVEOLAR HYPOVENTILATION AND MENTAL DEPRESSION. Identifiers: Orphanet 178509, MedGen C1868594, MONDO:0008201, OMIM 168605.

gnomAD v4.1: 30 of 1,614,208 alleles (0.0019%); highest among the groups gnomAD compares: South Asian, 0.033%; no homozygotes.

Submission:

Labcorp Genetics (formerly Invitae), Labcorp
Classification: Uncertain significance for Amyotrophic lateral sclerosis type 1; Neuronopathy, distal hereditary motor, type 7B; Perry syndrome. Last evaluated: 2025-10-02. Review status: criteria provided, single submitter. Criteria: Invitae Variant Classification Sherloc (09022015). Collection method: clinical testing. Allele origin: germline.
Comment: This sequence change replaces aspartic acid, which is acidic and polar, with glycine, which is neutral and non-polar, at codon 779 of the DCTN1 protein (p.Asp779Gly). This variant is present in population databases (rs555943129, gnomAD 0.02%). This variant has not been reported in the literature in individuals affected with DCTN1-related conditions. Invitae Evidence Modeling of protein sequence and biophysical properties (such as structural, functional, and spatial information, amino acid conservation, physicochemical variation, residue mobility, and thermodynamic stability) indicates that this missense variant is not expected to disrupt DCTN1 protein function with a negative predictive value of 95%. In summary, the available evidence is currently insufficient to determine the role of this variant in disease. Therefore, it has been classified as a Variant of Uncertain Significance.